The following is an entry in ClinVar:

ClinVar aggregate classification (germline): Uncertain significance (1 of 4 stars; one submission).

Conditions:
Arrhythmogenic cardiomyopathy with wooly hair and keratoderma. Also called: PALMOPLANTAR KERATODERMA WITH LEFT VENTRICULAR CARDIOMYOPATHY AND WOOLLY HAIR; Carvajal syndrome; Dilated cardiomyopathy with woolly hair and keratoderma; Arrhythmogenic cardiomyopathy with woolly hair and keratoderma. Identifiers: Orphanet 65282, MedGen C1854063, MONDO:0011581, OMIM 605676.

Submission:

All of Us Research Program, National Institutes of Health
Classification: Uncertain significance for Arrhythmogenic cardiomyopathy with wooly hair and keratoderma. Last evaluated: 2023-11-30. Review status: criteria provided, single submitter. Criteria: ACMG Guidelines, 2015. Collection method: clinical testing. Allele origin: germline. Inheritance: Autosomal dominant inheritance. Observed: 1 variant allele, 1 heterozygote.
Comment: This study involves interpretation of variants in research participants for the purpose of population health screening. Participant phenotype was not available at the time of variant classification. Additional details can be found in publication PMID: 35346344, PMCID: PMC8962531

NM_004415.4(DSP):c.1035C>A (p.Asp345Glu)

Gene: DSP (desmoplakin; plus strand). Cytogenetic location: 6p24.3.
Variant type: single nucleotide variant.
Coding change: c.1035C>A on transcript NM_004415.4 (MANE Select); coding-DNA position 1035, C replaced by A.
Protein change: p.Asp345Glu; replaces aspartic acid 345 with glutamic acid.
Molecular consequence: missense variant.
Genome position (GRCh38, 1-based): chr6:7,566,472, C>A. VCF-style: chr6-7566472-C-A. GRCh37 (hg19) VCF-style: chr6-7566705-C-A.
Other names: c.1035C>A, p.Asp345Glu (NM_001008844.3, NM_001319034.2, NM_001406591.1); short protein forms D345E.
Identifiers: ClinVar variation 3073922 (VCV003073922.1), dbSNP rs2113671169, ClinGen allele CA362674957.